The following is an entry in ClinVar:

ClinVar aggregate classification (germline): Uncertain significance. Review status: criteria provided, multiple submitters, no conflicts (2 of 4 stars). 2 submissions from 2 submitters: Uncertain significance (2). Last evaluated 2023-12-14.

Conditions:
Hereditary cancer-predisposing syndrome. Also called: Hereditary neoplastic syndrome; Neoplastic Syndromes, Hereditary; Hereditary Cancer Syndrome; Tumor predisposition. Identifiers: Orphanet 140162, MedGen C0027672, MeSH D009386, MONDO:0015356.
Gastrointestinal stromal tumor. Also called: Gastrointestinal stromal tumor, somatic; Gastrointestinal stroma tumor. Identifiers: Orphanet 44890, MedGen C0238198, MeSH D046152, MONDO:0011719, OMIM 606764, HP:0100723.

Submissions (2):

Labcorp Genetics (formerly Invitae), Labcorp
Classification: Uncertain significance for Gastrointestinal stromal tumor. Last evaluated: 2023-12-14. Review status: criteria provided, single submitter. Criteria: Invitae Variant Classification Sherloc (09022015). Collection method: clinical testing. Allele origin: germline.
Comment: This sequence change replaces tyrosine, which is neutral and polar, with cysteine, which is neutral and slightly polar, at codon 936 of the KIT protein (p.Tyr936Cys). This variant is not present in population databases (gnomAD no frequency). This variant has not been reported in the literature in individuals affected with KIT-related conditions. ClinVar contains an entry for this variant (Variation ID: 933608). An algorithm developed to predict the effect of missense changes on protein structure and function (PolyPhen-2) suggests that this variant is likely to be disruptive. In summary, the available evidence is currently insufficient to determine the role of this variant in disease. Therefore, it has been classified as a Variant of Uncertain Significance.

Ambry Genetics
Classification: Uncertain significance for Hereditary cancer-predisposing syndrome. Last evaluated: 2023-01-07. Review status: criteria provided, single submitter. Criteria: Ambry Variant Classification Scheme 2023. Collection method: clinical testing. Allele origin: germline.
Comment: The p.Y936C variant (also known as c.2807A>G), located in coding exon 21 of the KIT gene, results from an A to G substitution at nucleotide position 2807. The tyrosine at codon 936 is replaced by cysteine, an amino acid with highly dissimilar properties. This amino acid position is conserved. In addition, this alteration is predicted to be deleterious by in silico analysis. Since supporting evidence is limited at this time, the clinical significance of this alteration remains unclear.

NM_000222.3(KIT):c.2807A>G (p.Tyr936Cys)

Gene: KIT (KIT proto-oncogene, receptor tyrosine kinase; plus strand). Cytogenetic location: 4q12.
Variant type: single nucleotide variant.
Coding change: c.2807A>G on transcript NM_000222.3 (MANE Select); coding-DNA position 2807, A replaced by G.
Protein change: p.Tyr936Cys; replaces tyrosine 936 with cysteine.
Molecular consequence: missense variant.
Genome position (GRCh38, 1-based): chr4:54,738,433, A>G. VCF-style: chr4-54738433-A-G. GRCh37 (hg19) VCF-style: chr4-55604599-A-G.
Other names: c.2795A>G, p.Tyr932Cys (NM_001093772.2, NM_001385292.1); c.2810A>G, p.Tyr937Cys (NM_001385284.1); c.2804A>G, p.Tyr935Cys (NM_001385285.1); c.2792A>G, p.Tyr931Cys (NM_001385286.1); c.2798A>G, p.Tyr933Cys (NM_001385288.1); c.2807A>G, p.Tyr936Cys (NM_001385290.1); short protein forms Y932C, Y936C, Y931C, Y933C, Y935C, Y937C.
Identifiers: ClinVar variation 933608 (VCV000933608.12), dbSNP rs1723050446, ClinGen allele CA356915674.